The following is an entry in ClinVar:

ClinVar aggregate classification (germline): Pathogenic. Review status: criteria provided, single submitter (1 of 4 stars). 2 submissions from 2 submitters: Pathogenic (1). 1 of the submissions does not count toward it. Last evaluated 2023-07-17.

Conditions:
Vitelliform macular dystrophy 2. Also called: MACULAR DEGENERATION, POLYMORPHIC VITELLINE; Best vitelliform macular dystrophy, multifocal; VITELLIFORM MACULAR DYSTROPHY, EARLY-ONSET; VITELLIFORM MACULAR DYSTROPHY, JUVENILE-ONSET; Best Macular Dystrophy; Best Vitelliform Macular Dystrophy (BVMD). Identifiers: Orphanet 1243, MedGen C2745945, MONDO:0007931, OMIM 153700.

Submissions (2):

Labcorp Genetics (formerly Invitae), Labcorp
Classification: Pathogenic. Last evaluated: 2023-07-17. Review status: criteria provided, single submitter. Criteria: Invitae Variant Classification Sherloc (09022015). Collection method: clinical testing. Allele origin: germline.
Comment: For these reasons, this variant has been classified as Pathogenic. ClinVar contains an entry for this variant (Variation ID: 162042). This premature translational stop signal has been observed in individual(s) with autosomal recessive bestrophinopathy (PMID: 21825197). In at least one individual the data is consistent with being in trans (on the opposite chromosome) from a pathogenic variant. It has also been observed to segregate with disease in related individuals. This variant is not present in population databases (gnomAD no frequency). This sequence change creates a premature translational stop signal (p.Gln58Hisfs*4) in the BEST1 gene. It is expected to result in an absent or disrupted protein product. Loss-of-function variants in BEST1 are known to be pathogenic (PMID: 21825197).

Center for Medical Genetics Ghent, University of Ghent
Classification: Pathogenic for Vitelliform dystrophy. Last evaluated: 2010-02-18. Review status: no assertion criteria provided. Collection method: clinical testing. Allele origin: germline. Affected: yes. Not counted in ClinVar's aggregate classification.

Literature cited by the submitters: PubMed 21825197 (cited by Labcorp Genetics (formerly Invitae), Labcorp).

NM_004183.4(BEST1):c.172_173dup (p.Gln58fs)

Gene: BEST1 (bestrophin 1; plus strand). Cytogenetic location: 11q12.3.
Variant type: Duplication.
Coding change: c.172_173dup on transcript NM_004183.4 (MANE Select); coding-DNA positions 172 to 173, 2 bases duplicated (CA; older notation c.172_173dupCA).
Protein change: p.Gln58fs; shifts the reading frame from glutamine 58.
Molecular consequence: frameshift variant. On other transcripts: 5 prime UTR variant (2), non-coding transcript variant (1).
Genome position (GRCh38, 1-based): chr11:61,955,126-61,955,127, CA duplicated; duplicating any 2 consecutive bases within chr11:61,955,125-61,955,127 gives the same sequence; the c. name uses the placement nearest the transcript's 3' end. VCF-style (leftmost placement, unchanged base first): chr11-61955124-A-AAC. GRCh37 (hg19) VCF-style: chr11-61722596-A-AAC.
Other names: c.-9_-8dup (NM_001139443.3, NM_001300786.2, NM_001300787.2); c.172_173dup, p.Gln58Hisfs (NM_001363592.2); short protein forms Q58fs.
Identifiers: ClinVar variation 162042 (VCV000162042.9), dbSNP rs672601356, ClinGen allele CA273043.